The following is an entry in ClinVar:

ClinVar aggregate classification (germline): Uncertain significance. Review status: criteria provided, multiple submitters, no conflicts (2 of 4 stars). 2 submissions from 2 submitters: Uncertain significance (2). Last evaluated 2025-04-10.

Conditions:
Inborn genetic diseases. Identifiers: MedGen C0950123, MeSH D030342.
Neonatal-onset encephalopathy with rigidity and seizures. Also called: Lethal neonatal spasticity-epileptic encephalopathy syndrome. Identifiers: Orphanet 435845, MedGen C3281029, MONDO:0013784, OMIM 614498.

Allele frequency attached by ClinVar (database versions not stated): TOPMed below 0.00001.

Submissions (2):

Ambry Genetics
Classification: Uncertain significance for Inborn genetic diseases. Last evaluated: 2025-04-10. Review status: criteria provided, single submitter. Criteria: Ambry Variant Classification Scheme 2023. Collection method: clinical testing. Allele origin: germline.

Labcorp Genetics (formerly Invitae), Labcorp
Classification: Uncertain significance for Neonatal-onset encephalopathy with rigidity and seizures. Last evaluated: 2022-06-04. Review status: criteria provided, single submitter. Criteria: Invitae Variant Classification Sherloc (09022015). Collection method: clinical testing. Allele origin: germline.
Comment: This variant has not been reported in the literature in individuals affected with BRAT1-related conditions. In summary, the available evidence is currently insufficient to determine the role of this variant in disease. Therefore, it has been classified as a Variant of Uncertain Significance. Algorithms developed to predict the effect of missense changes on protein structure and function (SIFT, PolyPhen-2, Align-GVGD) all suggest that this variant is likely to be tolerated. This variant is not present in population databases (gnomAD no frequency). This sequence change replaces glutamic acid, which is acidic and polar, with aspartic acid, which is acidic and polar, at codon 41 of the BRAT1 protein (p.Glu41Asp).

NM_152743.4(BRAT1):c.123A>T (p.Glu41Asp)

Gene: BRAT1 (BRCA1 associated ATM activator 1; minus strand). Cytogenetic location: 7p22.3.
Variant type: single nucleotide variant.
Coding change: c.123A>T on transcript NM_152743.4 (MANE Select); coding-DNA position 123, A replaced by T.
Protein change: p.Glu41Asp; replaces glutamic acid 41 with aspartic acid.
Molecular consequence: missense variant. On other transcripts: 5 prime UTR variant (1), non-coding transcript variant (1).
Genome position (GRCh38, 1-based): chr7:2,554,309, T>A on the plus strand (A>T on the coding strand, the complement: BRAT1 is on the minus strand). VCF-style: chr7-2554309-T-A. GRCh37 (hg19) VCF-style: chr7-2593943-T-A.
Other names: c.123A>T (NM_152743.3); c.123A>T, p.Glu41Asp (NM_001350626.2); c.-255A>T (NM_001350627.2); short protein forms E41D.
Identifiers: ClinVar variation 2149759 (VCV002149759.5), dbSNP rs1780249692, ClinGen allele CA366633399.